The following is an entry in ClinVar:

ClinVar aggregate classification (germline): Likely benign. Review status: criteria provided, single submitter (1 of 4 stars). 2 submissions from 2 submitters: Likely benign (1). 1 of the submissions does not count toward it. Last evaluated 2023-01-16.

Conditions:
ABCA4-related disorder. Also called: ABCA4-related condition; ABCA4-related disorders. Identifiers: MedGen CN239167.

Submissions (2):

Blueprint Genetics
Classification: Likely benign. Last evaluated: 2023-01-16. Review status: criteria provided, single submitter. Criteria: ACMG Guidelines, 2015. Collection method: clinical testing. Allele origin: germline.

PreventionGenetics, part of Exact Sciences
Classification: Likely benign for ABCA4-related condition. Last evaluated: 2022-03-17. Review status: no assertion criteria provided. Collection method: clinical testing. Allele origin: germline. Not counted in ClinVar's aggregate classification.
Comment: This variant is classified as likely benign based on ACMG/AMP sequence variant interpretation guidelines (Richards et al. 2015 PMID: 25741868, with internal and published modifications).

NM_000350.3(ABCA4):c.1937+425C>T

Gene: ABCA4 (ATP binding cassette subfamily A member 4; minus strand). Cytogenetic location: 1p22.1.
Variant type: single nucleotide variant.
Coding change: c.1937+425C>T on transcript NM_000350.3 (MANE Select); 425 bases into the intron after coding-DNA position 1937, C replaced by T.
Molecular consequence: intron variant.
Genome position (GRCh38, 1-based): chr1:94,062,152, G>A on the plus strand (C>T on the coding strand, the complement: ABCA4 is on the minus strand). VCF-style: chr1-94062152-G-A. GRCh37 (hg19) VCF-style: chr1-94527708-G-A.
Identifiers: ClinVar variation 3053609 (VCV003053609.3), dbSNP rs2523839343, ClinGen allele CA2740090235.